The following is an entry in ClinVar:

ClinVar aggregate classification (germline): Uncertain significance. Review status: criteria provided, multiple submitters, no conflicts (2 of 4 stars). 2 submissions from 2 submitters: Uncertain significance (2). Last evaluated 2025-02-17.

Conditions:
Focal segmental glomerulosclerosis 1 (FSGS1). Identifiers: Orphanet 656, MedGen C4551527, MONDO:0011303, OMIM 603278.

gnomAD v4.1: 16 of 1,613,586 alleles (0.00099%); highest among the groups gnomAD compares: East Asian, 0.0045%; no homozygotes.

Submissions (2):

Labcorp Genetics (formerly Invitae), Labcorp
Classification: Uncertain significance. Last evaluated: 2025-02-17. Review status: criteria provided, single submitter. Criteria: Invitae Variant Classification Sherloc (09022015). Collection method: clinical testing. Allele origin: germline.
Comment: This sequence change replaces alanine, which is neutral and non-polar, with threonine, which is neutral and polar, at codon 475 of the ACTN4 protein (p.Ala475Thr). The frequency data for this variant in the population databases is considered unreliable, as metrics indicate poor data quality at this position in the gnomAD database. This variant has not been reported in the literature in individuals affected with ACTN4-related conditions. ClinVar contains an entry for this variant (Variation ID: 3583807). Invitae Evidence Modeling of protein sequence and biophysical properties (such as structural, functional, and spatial information, amino acid conservation, physicochemical variation, residue mobility, and thermodynamic stability) indicates that this missense variant is not expected to disrupt ACTN4 protein function with a negative predictive value of 80%. In summary, the available evidence is currently insufficient to determine the role of this variant in disease. Therefore, it has been classified as a Variant of Uncertain Significance.

Fulgent Genetics
Classification: Uncertain significance for Focal segmental glomerulosclerosis 1. Last evaluated: 2024-04-03. Review status: criteria provided, single submitter. Criteria: ACMG Guidelines, 2015. Collection method: clinical testing. Allele origin: germline.

NM_004924.6(ACTN4):c.1423G>A (p.Ala475Thr)

Gene: ACTN4 (actinin alpha 4; plus strand). Cytogenetic location: 19q13.2.
Variant type: single nucleotide variant.
Coding change: c.1423G>A on transcript NM_004924.6 (MANE Select); coding-DNA position 1423, G replaced by A.
Protein change: p.Ala475Thr; replaces alanine 475 with threonine.
Molecular consequence: missense variant.
Genome position (GRCh38, 1-based): chr19:38,721,669, G>A. VCF-style: chr19-38721669-G-A. GRCh37 (hg19) VCF-style: chr19-39212309-G-A.
Other names: c.1423G>A, p.Ala475Thr (NM_001322033.2, NM_001411143.1); short protein forms A475T.
Identifiers: ClinVar variation 3583807 (VCV003583807.3).